The following is an entry in ClinVar:

NM_033118.4(MYLK2):c.1628_1641del (p.Leu543fs)

Gene: MYLK2 (myosin light chain kinase 2; plus strand). Cytogenetic location: 20q11.21.
Variant type: Deletion.
Coding change: c.1628_1641del on transcript NM_033118.4 (MANE Select); coding-DNA positions 1628 to 1641, 14 bases deleted (TGGCGGAGAAAGCC).
Protein change: p.Leu543fs; shifts the reading frame from leucine 543.
Molecular consequence: frameshift variant.
Genome position (GRCh38, 1-based): chr20:31,832,054-31,832,067, TGGCGGAGAAAGCC deleted; deleting any 14 consecutive bases within chr20:31,832,052-31,832,067 gives the same sequence; the c. name uses the placement nearest the transcript's 3' end. VCF-style (leftmost placement, unchanged base first): chr20-31832051-ACCTGGCGGAGAAAG-A. GRCh37 (hg19) VCF-style: chr20-30419854-ACCTGGCGGAGAAAG-A.
Other names: c.1628_1641del (NM_033118.3); c.1628_1641delTGGCGGAGAAAGCC, p.Leu543Glnfs (NM_033118.3); short protein forms L543fs.
Identifiers: ClinVar variation 2415498 (VCV002415498.7), dbSNP rs1335931963, ClinGen allele CA635267786.
Genomic context (GRCh38, chr20:31,832,051, plus strand): 5'-GCCTCTCCCCCAGGGCCCGGATGAACGCTGCCCAGTGTCTCGCCCATCCCTGGCTCAACA[ACCTGGCGGAGAAAG>A]CCAAACGCTGTAACCGACGCCTTAAGTCCCAGATCTTGCTTAAGAAATACCTCATGAAGA-3'

ClinVar aggregate classification (germline): Uncertain significance. Review status: criteria provided, multiple submitters, no conflicts (2 of 4 stars). 2 submissions from 2 submitters: Uncertain significance (2). Last evaluated 2024-01-29.

Conditions:
Hypertrophic cardiomyopathy 1 (CMH1). Also called: MYH7-Related Familial Hypertrophic Cardiomyopathy; Familial hypertrophic cardiomyopathy 1. Identifiers: MedGen C3495498, MONDO:0008647, OMIM 192600.

Submissions (2):

GeneDx
Classification: Uncertain significance. Last evaluated: 2024-01-29. Review status: criteria provided, single submitter. Criteria: GeneDx Variant Classification Process June 2021. Collection method: clinical testing. Allele origin: germline. Affected: yes.
Comment: Has not been previously published as pathogenic or benign to our knowledge; Not observed at significant frequency in large population cohorts (gnomAD); Frameshift variant predicted to result in protein truncation or nonsense mediated decay in a gene for which loss-of-function is not a known mechanism of disease

Labcorp Genetics (formerly Invitae), Labcorp
Classification: Uncertain significance for Hypertrophic cardiomyopathy 1. Last evaluated: 2022-03-08. Review status: criteria provided, single submitter. Criteria: Invitae Variant Classification Sherloc (09022015). Collection method: clinical testing. Allele origin: germline.
Comment: In summary, the available evidence is currently insufficient to determine the role of this variant in disease. Therefore, it has been classified as a Variant of Uncertain Significance. This variant has not been reported in the literature in individuals affected with MYLK2-related conditions. This variant is present in population databases (no rsID available, gnomAD 0.006%). This sequence change creates a premature translational stop signal (p.Leu543Glnfs*4) in the MYLK2 gene. It is expected to result in an absent or disrupted protein product. However, the current clinical and genetic evidence is not sufficient to establish whether loss-of-function variants in MYLK2 cause disease.